The following is an entry in ClinVar:

ClinVar aggregate classification (germline): Likely pathogenic (1 of 4 stars; one submission).

Conditions:
Early-infantile DEE. Also called: Early infantile epileptic encephalopathy; Ohtahara syndrome; Early infantile epileptic encephalopathy with suppression bursts. Identifiers: Orphanet 1934, MedGen C0393706, MONDO:0800491.

Submission:

Labcorp Genetics (formerly Invitae), Labcorp
Classification: Likely pathogenic for Early-infantile DEE. Last evaluated: 2023-03-23. Review status: criteria provided, single submitter. Criteria: Invitae Variant Classification Sherloc (09022015). Collection method: clinical testing. Allele origin: germline.
Comment: This variant is not present in population databases (gnomAD no frequency). This sequence change replaces methionine, which is neutral and non-polar, with valine, which is neutral and non-polar, at codon 1760 of the SCN8A protein (p.Met1760Val). This variant has not been reported in the literature in individuals affected with SCN8A-related conditions. In summary, the currently available evidence indicates that the variant is pathogenic, but additional data are needed to prove that conclusively. Therefore, this variant has been classified as Likely Pathogenic. This variant disrupts the p.Met1760 amino acid residue in SCN8A. Other variant(s) that disrupt this residue have been determined to be pathogenic (PMID: 30615093; Invitae). This suggests that this residue is clinically significant, and that variants that disrupt this residue are likely to be disease-causing. Advanced modeling of protein sequence and biophysical properties (such as structural, functional, and spatial information, amino acid conservation, physicochemical variation, residue mobility, and thermodynamic stability) performed at Invitae indicates that this missense variant is expected to disrupt SCN8A protein function. ClinVar contains an entry for this variant (Variation ID: 935285).

Literature cited by the submitters: PubMed 30615093.

NM_001330260.2(SCN8A):c.5278A>G (p.Met1760Val)

Gene: SCN8A (sodium voltage-gated channel alpha subunit 8; plus strand). Cytogenetic location: 12q13.13.
Variant type: single nucleotide variant.
Coding change: c.5278A>G on transcript NM_001330260.2 (MANE Select); coding-DNA position 5278, A replaced by G.
Protein change: p.Met1760Val; replaces methionine 1760 with valine.
Molecular consequence: missense variant.
Genome position (GRCh38, 1-based): chr12:51,806,764, A>G. VCF-style: chr12-51806764-A-G. GRCh37 (hg19) VCF-style: chr12-52200548-A-G.
Other names: c.5155A>G, p.Met1719Val (NM_001177984.3, NM_001369788.1); c.5278A>G, p.Met1760Val (NM_014191.4); short protein forms M1760V, M1719V.
Identifiers: ClinVar variation 935285 (VCV000935285.10), dbSNP rs1938712937, ClinGen allele CA384885154.
Genomic context (GRCh38, chr12:51,806,764, plus strand): 5'-TCAGTGGGCATCTTCTTCTTTGTAAGCTACATCATCATCTCTTTCCTAATTGTCGTGAAC[A>G]TGTACATTGCCATCATCCTGGAGAACTTCAGTGTAGCCACAGAGGAAAGTGCAGACCCTC-3'
Protein context (NP_001317189.1, residues 1750-1770): IIISFLIVVN[Met1760Val]YIAIILENFS